The following is an entry in ClinVar:

ClinVar aggregate classification (germline): Uncertain significance (1 of 4 stars; one submission).

Conditions:
Diamond-Blackfan anemia. Also called: Blackfan Diamond syndrome; Aregenerative anemia chronic congenital; Red cell aplasia, pure hereditary; Congenital hypoplastic anemia; Aase syndrome. Identifiers: Orphanet 124, MedGen C1260899, MeSH D029503, MONDO:0015253, HP:0004810.

gnomAD v4.1: 7 of 1,611,608 alleles (0.00043%); highest among the groups gnomAD compares: Non-Finnish European, 0.00059%; no homozygotes.

Submission:

Labcorp Genetics (formerly Invitae), Labcorp
Classification: Uncertain significance for Diamond-Blackfan anemia. Last evaluated: 2021-07-17. Review status: criteria provided, single submitter. Criteria: Invitae Variant Classification Sherloc (09022015). Collection method: clinical testing. Allele origin: germline.
Comment: In summary, the available evidence is currently insufficient to determine the role of this variant in disease. Therefore, it has been classified as a Variant of Uncertain Significance. Algorithms developed to predict the effect of missense changes on protein structure and function (SIFT, PolyPhen-2, Align-GVGD) all suggest that this variant is likely to be tolerated. This variant has not been reported in the literature in individuals affected with RPL5-related conditions. This variant is present in population databases (rs764283613, ExAC 0.006%). This sequence change replaces aspartic acid with asparagine at codon 278 of the RPL5 protein (p.Asp278Asn). The aspartic acid residue is moderately conserved and there is a small physicochemical difference between aspartic acid and asparagine.

NM_000969.5(RPL5):c.832G>A (p.Asp278Asn)

Genes: DIPK1A (divergent protein kinase domain 1A; minus strand), RPL5 (ribosomal protein L5; plus strand). Cytogenetic location: 1p22.1.
Variant type: single nucleotide variant.
Coding change: c.832G>A on transcript NM_000969.5 (MANE Select); coding-DNA position 832, G replaced by A.
Protein change: p.Asp278Asn; replaces aspartic acid 278 with asparagine.
Molecular consequence: missense variant. On other transcripts: non-coding transcript variant (1), intron variant (1).
Genome position (GRCh38, 1-based): chr1:92,841,803, G>A. VCF-style: chr1-92841803-G-A. GRCh37 (hg19) VCF-style: chr1-93307360-G-A.
Other names: c.474+5380C>T (NM_001252273.2); short protein forms D278N.
Identifiers: ClinVar variation 1392355 (VCV001392355.8), dbSNP rs764283613, ClinGen allele CA952641.